The following is an entry in ClinVar:

ClinVar aggregate classification (germline): Uncertain significance (1 of 4 stars; one submission).

Submission:

Ambry Genetics
Classification: Uncertain significance. Last evaluated: 2022-05-07. Review status: criteria provided, single submitter. Criteria: Ambry Variant Classification Scheme 2023. Collection method: clinical testing. Allele origin: germline.
Comment: The p.F459L variant (also known as c.1375T>C), located in coding exon 8 of the GALNT12 gene, results from a T to C substitution at nucleotide position 1375. The phenylalanine at codon 459 is replaced by leucine, an amino acid with highly similar properties. This amino acid position is conserved. In addition, this alteration is predicted to be tolerated by in silico analysis. Since supporting evidence is limited at this time, the clinical significance of this alteration remains unclear.

NM_024642.5(GALNT12):c.1375T>C (p.Phe459Leu)

Gene: GALNT12 (polypeptide N-acetylgalactosaminyltransferase 12; plus strand). Cytogenetic location: 9q22.33.
Variant type: single nucleotide variant.
Coding change: c.1375T>C on transcript NM_024642.5 (MANE Select); coding-DNA position 1375, T replaced by C.
Protein change: p.Phe459Leu; replaces phenylalanine 459 with leucine.
Molecular consequence: missense variant.
Genome position (GRCh38, 1-based): chr9:98,844,126, T>C. VCF-style: chr9-98844126-T-C. GRCh37 (hg19) VCF-style: chr9-101606408-T-C.
Other names: short protein forms F459L.
Identifiers: ClinVar variation 1771149 (VCV001771149.2), dbSNP rs2490552255, ClinGen allele CA374221379.